The following is an entry in ClinVar:

ClinVar aggregate classification (germline): Uncertain significance (1 of 4 stars; one submission).

Conditions:
Catecholaminergic polymorphic ventricular tachycardia 1. Also called: VENTRICULAR TACHYCARDIA, STRESS-INDUCED POLYMORPHIC 1; VENTRICULAR TACHYCARDIA, CATECHOLAMINERGIC POLYMORPHIC, 1, WITH OR WITHOUT ATRIAL DYSFUNCTION AND/OR DILATED CARDIOMYOPATHY; RYR2-Related Catecholaminergic Polymorphic Ventricular Tachycardia. Identifiers: Orphanet 3286, MedGen C1631597, MONDO:0011484, OMIM 604772.

Allele frequency attached by ClinVar (database versions not stated): gnomAD exomes below 0.00001.
gnomAD v4.1: 1 of 1,614,052 alleles (0.000062%); highest among the groups gnomAD compares: South Asian, 0.0011%; no homozygotes.

Submission:

Labcorp Genetics (formerly Invitae), Labcorp
Classification: Uncertain significance for Catecholaminergic polymorphic ventricular tachycardia 1. Last evaluated: 2022-12-03. Review status: criteria provided, single submitter. Criteria: Invitae Variant Classification Sherloc (09022015). Collection method: clinical testing. Allele origin: germline.
Comment: In summary, the available evidence is currently insufficient to determine the role of this variant in disease. Therefore, it has been classified as a Variant of Uncertain Significance. Advanced modeling of protein sequence and biophysical properties (such as structural, functional, and spatial information, amino acid conservation, physicochemical variation, residue mobility, and thermodynamic stability) performed at Invitae indicates that this missense variant is not expected to disrupt RYR2 protein function. This variant has not been reported in the literature in individuals affected with RYR2-related conditions. This variant is present in population databases (no rsID available, gnomAD 0.003%). This sequence change replaces threonine, which is neutral and polar, with isoleucine, which is neutral and non-polar, at codon 1814 of the RYR2 protein (p.Thr1814Ile).

NM_001035.3(RYR2):c.5441C>T (p.Thr1814Ile)

Gene: RYR2 (ryanodine receptor 2; plus strand). Cytogenetic location: 1q43.
Variant type: single nucleotide variant.
Coding change: c.5441C>T on transcript NM_001035.3 (MANE Select); coding-DNA position 5441, C replaced by T.
Protein change: p.Thr1814Ile; replaces threonine 1814 with isoleucine.
Molecular consequence: missense variant.
Genome position (GRCh38, 1-based): chr1:237,614,569, C>T. VCF-style: chr1-237614569-C-T. GRCh37 (hg19) VCF-style: chr1-237777869-C-T.
Other names: short protein forms T1814I.
Identifiers: ClinVar variation 2818353 (VCV002818353.3), dbSNP rs1349521379, ClinGen allele CA345405031.
Genomic context (GRCh38, chr1:237,614,569, plus strand): 5'-TGCTGACAGAAGCTGTTAAAGAGGGCAGTCTTCATGCCCGGGACCCAGTTGGAGGGACTA[C>T]TGAATTCCTCTTTGTACCTCTCATCAAGCTTTTCTATACCCTGCTGATCATGGGCATCTT-3'
Protein context (NP_001026.2, residues 1804-1824): LHARDPVGGT[Thr1814Ile]EFLFVPLIKL